The following is an entry in ClinVar:

ClinVar aggregate classification (germline): Uncertain significance. Review status: criteria provided, multiple submitters, no conflicts (2 of 4 stars). 2 submissions from 2 submitters: Uncertain significance (2). Last evaluated 2025-08-26.

gnomAD v4.1: 103 of 1,613,414 alleles (0.0064%); highest among the groups gnomAD compares: African/African-American, 0.13%; no homozygotes.

Submissions (2):

Ambry Genetics
Classification: Uncertain significance. Last evaluated: 2025-08-26. Review status: criteria provided, single submitter. Criteria: Ambry Variant Classification Scheme 2023. Collection method: clinical testing. Allele origin: germline.

Labcorp Genetics (formerly Invitae), Labcorp
Classification: Uncertain significance. Last evaluated: 2024-02-25. Review status: criteria provided, single submitter. Criteria: Invitae Variant Classification Sherloc (09022015). Collection method: clinical testing. Allele origin: germline.
Comment: This sequence change replaces glycine, which is neutral and non-polar, with aspartic acid, which is acidic and polar, at codon 337 of the PITRM1 protein (p.Gly337Asp). This variant is present in population databases (rs200082240, gnomAD 0.1%). This variant has not been reported in the literature in individuals affected with PITRM1-related conditions. An algorithm developed to predict the effect of missense changes on protein structure and function (PolyPhen-2) suggests that this variant is likely to be disruptive. In summary, the available evidence is currently insufficient to determine the role of this variant in disease. Therefore, it has been classified as a Variant of Uncertain Significance.

NM_014889.4(PITRM1):c.1106G>A (p.Gly369Asp)

Gene: PITRM1 (pitrilysin metallopeptidase 1; minus strand). Cytogenetic location: 10p15.2.
Variant type: single nucleotide variant.
Coding change: c.1106G>A on transcript NM_014889.4 (MANE Select); coding-DNA position 1106, G replaced by A.
Protein change: p.Gly369Asp; replaces glycine 369 with aspartic acid.
Molecular consequence: missense variant. On other transcripts: 5 prime UTR variant (1), non-coding transcript variant (4).
Genome position (GRCh38, 1-based): chr10:3,158,944, C>T on the plus strand (G>A on the coding strand, the complement: PITRM1 is on the minus strand). VCF-style: chr10-3158944-C-T. GRCh37 (hg19) VCF-style: chr10-3201136-C-T.
Other names: c.1106G>A, p.Gly369Asp (NM_001242307.2, NM_001347725.2); c.1010G>A, p.Gly337Asp (NM_001242309.1); c.491G>A, p.Gly164Asp (NM_001347726.2, NM_001347727.2); c.-195G>A (NM_001347728.2); c.1082G>A, p.Gly361Asp (NM_001347729.1, NM_001347730.1); c.1106G>A (NM_001242307.1); short protein forms G337D, G361D, G164D, G369D.
Identifiers: ClinVar variation 3708322 (VCV003708322.3).